The following is an entry in ClinVar:

ClinVar aggregate classification (germline): Pathogenic (1 of 4 stars; one submission).

Conditions:
ERCC2-related disorder. Also called: ERCC2-related conditions; ERCC2-related condition; ERCC2-related disorders. Identifiers: MedGen CN239291.

Submission:

Myriad Genetics, Inc.
Classification: Pathogenic for ERCC2-related disorder. Last evaluated: 2024-08-27. Review status: criteria provided, single submitter. Criteria: Myriad Autosomal Dominant, Autosomal Recessive and X-Linked Classification Criteria (2023). Collection method: clinical testing. Allele origin: unknown.
Comment: NM_000400.3(ERCC2):c.1842C>A(Y614*) is expected to be pathogenic in the context of ERCC2-related disorders. This variant is predicted to lead to an abnormal or absent protein product due to the creation of a premature termination codon in ERCC2, a gene where loss-of-function variants are known to be pathogenic. Please note: this variant was assessed in the context of healthy population screening.

NM_000400.4(ERCC2):c.1842C>A (p.Tyr614Ter)

Gene: ERCC2 (ERCC excision repair 2, TFIIH core complex helicase subunit; minus strand). Cytogenetic location: 19q13.32.
Variant type: single nucleotide variant.
Coding change: c.1842C>A on transcript NM_000400.4 (MANE Select); coding-DNA position 1842, C replaced by A.
Protein change: p.Tyr614Ter; replaces tyrosine 614 with a stop codon.
Molecular consequence: nonsense. On other transcripts: non-coding transcript variant (3).
Genome position (GRCh38, 1-based): chr19:45,352,806, G>T on the plus strand (C>A on the coding strand, the complement: ERCC2 is on the minus strand). VCF-style: chr19-45352806-G-T. GRCh37 (hg19) VCF-style: chr19-45856064-G-T.
Other names: c.1770C>A, p.Tyr590Ter (NM_001440355.1); c.1764C>A, p.Tyr588Ter (NM_001440356.1); c.1719C>A, p.Tyr573Ter (NM_001440357.1); short protein forms Y573*, Y588*, Y590*, Y614*.
Identifiers: ClinVar variation 5013497 (VCV005013497.1).
Genomic context (GRCh38, chr19:45,352,806, plus strand): 5'-CTTGAGAATGCGGCTCTGTGTGTAGACGTAGGGGACGCCAAACATGATGACGGCCCGCCC[G>T]TAGTGGTGCACTGGTGGGCAGAGGAGAGGGGGCGAGGGGGGTTACAAGTGTGGCTGGTGG-3'